The following is an entry in ClinVar:

ClinVar aggregate classification (germline): Uncertain significance (1 of 4 stars; one submission).

Conditions:
Gnathodiaphyseal dysplasia (GDD). Also called: GNATHODIAPHYSEAL SCLEROSIS; OSTEOGENESIS IMPERFECTA WITH UNUSUAL SKELETAL LESIONS. Identifiers: Orphanet 53697, MedGen C1833736, MONDO:0008151, OMIM 166260.
Autosomal recessive limb-girdle muscular dystrophy type 2L (LGMDR12). Also called: Limb-girdle muscular dystrophy, type 2L; MUSCULAR DYSTROPHY, LIMB-GIRDLE, AUTOSOMAL RECESSIVE 12; Limb-Girdle Muscular Dystrophy R12 Anoctamin-5-Related (LGMD-R12). Identifiers: Orphanet 206549, MedGen C1969785, MONDO:0012652, OMIM 611307.

Submission:

Labcorp Genetics (formerly Invitae), Labcorp
Classification: Uncertain significance for Autosomal recessive limb-girdle muscular dystrophy type 2L; Gnathodiaphyseal dysplasia. Last evaluated: 2025-10-23. Review status: criteria provided, single submitter. Criteria: Invitae Variant Classification Sherloc (09022015). Collection method: clinical testing. Allele origin: germline.
Comment: This sequence change replaces arginine, which is basic and polar, with methionine, which is neutral and non-polar, at codon 234 of the ANO5 protein (p.Arg234Met). This variant is present in population databases (rs749374398, gnomAD 0.003%). This variant has not been reported in the literature in individuals affected with ANO5-related conditions. ClinVar contains an entry for this variant (Variation ID: 3748712). Invitae Evidence Modeling of protein sequence and biophysical properties (such as structural, functional, and spatial information, amino acid conservation, physicochemical variation, residue mobility, and thermodynamic stability) has been performed for this missense variant. However, the output from this modeling did not meet the statistical confidence thresholds required to predict the impact of this variant on ANO5 protein function. In summary, the available evidence is currently insufficient to determine the role of this variant in disease. Therefore, it has been classified as a Variant of Uncertain Significance.

NM_213599.3(ANO5):c.701G>T (p.Arg234Met)

Gene: ANO5 (anoctamin 5; plus strand). Cytogenetic location: 11p14.3.
Variant type: single nucleotide variant.
Coding change: c.701G>T on transcript NM_213599.3 (MANE Select); coding-DNA position 701, G replaced by T.
Protein change: p.Arg234Met; replaces arginine 234 with methionine.
Molecular consequence: missense variant.
Genome position (GRCh38, 1-based): chr11:22,236,215, G>T. VCF-style: chr11-22236215-G-T. GRCh37 (hg19) VCF-style: chr11-22257761-G-T.
Other names: c.698G>T, p.Arg233Met (NM_001142649.2); c.659G>T, p.Arg220Met (NM_001410963.1); c.656G>T, p.Arg219Met (NM_001410964.1); short protein forms R219M, R220M, R233M, R234M.
Identifiers: ClinVar variation 3748712 (VCV003748712.2).